The following is an entry in ClinVar:

ClinVar aggregate classification (germline): Uncertain significance (1 of 4 stars; one submission).

Allele frequency attached by ClinVar (database versions not stated): gnomAD 0.00001; TOPMed 0.00001; 1000 Genomes Project 30x 0.00016; 1000 Genomes Project 0.00020.
gnomAD v4.1: 12 of 1,613,944 alleles (0.00074%); highest among the groups gnomAD compares: East Asian, 0.0022%; no homozygotes.

Submission:

Labcorp Genetics (formerly Invitae), Labcorp
Classification: Uncertain significance. Last evaluated: 2022-05-25. Review status: criteria provided, single submitter. Criteria: Invitae Variant Classification Sherloc (09022015). Collection method: clinical testing. Allele origin: germline.
Comment: This variant is not present in population databases (gnomAD no frequency). In summary, the available evidence is currently insufficient to determine the role of this variant in disease. Therefore, it has been classified as a Variant of Uncertain Significance. Algorithms developed to predict the effect of missense changes on protein structure and function (SIFT, PolyPhen-2, Align-GVGD) all suggest that this variant is likely to be disruptive. This variant has not been reported in the literature in individuals affected with PIGU-related conditions. This sequence change replaces proline, which is neutral and non-polar, with leucine, which is neutral and non-polar, at codon 330 of the PIGU protein (p.Pro330Leu).

NM_080476.5(PIGU):c.989C>T (p.Pro330Leu)

Gene: PIGU (phosphatidylinositol glycan anchor biosynthesis class U; minus strand). Cytogenetic location: 20q11.22.
Variant type: single nucleotide variant.
Coding change: c.989C>T on transcript NM_080476.5 (MANE Select); coding-DNA position 989, C replaced by T.
Protein change: p.Pro330Leu; replaces proline 330 with leucine.
Molecular consequence: missense variant.
Genome position (GRCh38, 1-based): chr20:34,581,610, G>A on the plus strand (C>T on the coding strand, the complement: PIGU is on the minus strand). VCF-style: chr20-34581610-G-A. GRCh37 (hg19) VCF-style: chr20-33169414-G-A.
Other names: short protein forms P330L.
Identifiers: ClinVar variation 1904655 (VCV001904655.5), dbSNP rs555958102, ClinGen allele CA313383794.